The following is an entry in ClinVar:

NM_001001557.4(GDF6):c.866T>C (p.Leu289Pro)

Gene: GDF6 (growth differentiation factor 6; minus strand). Cytogenetic location: 8q22.1.
Variant type: single nucleotide variant.
Coding change: c.866T>C on transcript NM_001001557.4 (MANE Select); coding-DNA position 866, T replaced by C.
Protein change: p.Leu289Pro; replaces leucine 289 with proline.
Molecular consequence: missense variant.
Genome position (GRCh38, 1-based): chr8:96,145,065, A>G on the plus strand (T>C on the coding strand, the complement: GDF6 is on the minus strand). VCF-style: chr8-96145065-A-G. GRCh37 (hg19) VCF-style: chr8-97157293-A-G.
Other names: c.866T>C (NM_001001557.3); short protein forms L289P.
Identifiers: ClinVar variation 8372 (VCV000008372.14), dbSNP rs63751220, ClinGen allele CA119556.

ClinVar aggregate classification (germline): Conflicting classifications of pathogenicity. Review status: criteria provided, conflicting classifications (1 of 4 stars). 5 submissions from 5 submitters: Uncertain significance (2); Likely benign (1). 2 of the submissions do not count toward it. Last evaluated 2025-12-29.

Conditions:
GDF6-related disorder. Also called: GDF6-related condition.
Microphthalmia, isolated, with coloboma 6 (MCOPCB6). Also called: Microphthalmia with coloboma 6, digenic; Microphthalmia with coloboma 6; MICROPHTHALMIA/COLOBOMA 6. Identifiers: Orphanet 98938, MedGen C3150968, MONDO:0013376, OMIM 613703.
Isolated microphthalmia 4. Identifiers: Orphanet 2542, MedGen C2751307, MONDO:0013130, OMIM 613094.
Klippel-Feil syndrome 1, autosomal dominant (KFS1). Also called: CERVICAL VERTEBRAL FUSION, AUTOSOMAL DOMINANT. Identifiers: Orphanet 2345, MedGen C1861689, MONDO:0007306, OMIM 118100.
Multiple synostoses syndrome 4. Identifiers: MedGen C4693531, MONDO:0054752, OMIM 617898.
Leber congenital amaurosis 17 (LCA17). Identifiers: Orphanet 65, MedGen C3715164, MONDO:0014145, OMIM 615360.

Allele frequency attached by ClinVar (database versions not stated): TOPMed 0.00082; gnomAD 0.00083 and 0.00090; gnomAD exomes 0.00006; 1000 Genomes Project 30x 0.00016; 1000 Genomes Project 0.00020; ExAC 0.00034.
gnomAD v4.1: 206 of 1,502,488 alleles (0.014%); highest among the groups gnomAD compares: African/African-American, 0.28%; 1 homozygote.

Submissions (5):

Labcorp Genetics (formerly Invitae), Labcorp
Classification: Likely benign for Isolated microphthalmia 4; Leber congenital amaurosis 17; Klippel-Feil syndrome 1, autosomal dominant; Microphthalmia, isolated, with coloboma 6. Last evaluated: 2025-12-29. Review status: criteria provided, single submitter. Criteria: Invitae Variant Classification Sherloc (09022015). Collection method: clinical testing. Allele origin: germline.

Department of Pathology and Laboratory Medicine, Sinai Health System
Classification: Uncertain significance for Klippel-Feil syndrome 1, autosomal dominant; Isolated microphthalmia 4; Microphthalmia, isolated, with coloboma 6; Leber congenital amaurosis 17; Multiple synostoses syndrome 4. Last evaluated: 2021-07-30. Review status: criteria provided, single submitter. Criteria: ACMG Guidelines, 2015. Collection method: research. Allele origin: germline.

GeneDx
Classification: Uncertain significance. Last evaluated: 2016-06-06. Review status: criteria provided, single submitter. Criteria: GeneDx Variant Classification (06012015). Collection method: clinical testing. Allele origin: germline. Affected: yes.
Comment: Both cases were said to be sporadic, but there is no evidence that family studies were performed. The L289P variant was not observed at any significant frequency in approximately 4500 individuals of European and African American ancestry in the NHLBI Exome Sequencing Project, indicating it is not a common benign variant in these populations. The L289P variant is a semi-conservative amino acid substitution, which may impact secondary protein structure as these residues differ in some properties. This substitution occurs at a position that is conserved in mammals, and in silico analysis is inconsistent in its predictions as to whether or not the variant is damaging to the protein structure/function. A missense variants in a nearby residue, E292D, has been reported in the Human Gene Mutation Database in association with Leber congenital amaurosis (Stenson et al., 2014), supporting the functional importance of this region of the protein. Based on review of the data in the context of the 2015 ACMG standards and guidelines for the interpretation of sequence variants (Richards et al., 2015), we now interpret L289P as a variant of uncertain significance.

PreventionGenetics, part of Exact Sciences
Classification: Likely benign for GDF6-related condition. Last evaluated: 2024-02-08. Review status: no assertion criteria provided. Collection method: clinical testing. Allele origin: germline. Not counted in ClinVar's aggregate classification.
Comment: This variant is classified as likely benign based on ACMG/AMP sequence variant interpretation guidelines (Richards et al. 2015 PMID: 25741868, with internal and published modifications).

OMIM
Classification: Pathogenic for KLIPPEL-FEIL SYNDROME 1, AUTOSOMAL DOMINANT. Last evaluated: 2008-08-01. Review status: no assertion criteria provided. Collection method: literature only. Allele origin: germline. Not counted in ClinVar's aggregate classification.

Literature cited by the submitters: PubMed 18425797 (cited by OMIM).